The following is an entry in ClinVar:

ClinVar aggregate classification (germline): Uncertain significance. Review status: reviewed by expert panel (3 of 4 stars). 3 submissions from 3 submitters: Uncertain significance (1). 2 of the submissions do not count toward it. Last evaluated 2024-08-16.

Conditions:
Hereditary thrombocytopenia and hematologic cancer predisposition syndrome. Identifiers: Orphanet 71290, MedGen CN281654, MONDO:0011071.
Inborn genetic diseases. Identifiers: MedGen C0950123, MeSH D030342.
Hereditary thrombocytopenia and hematological cancer predisposition syndrome associated with RUNX1. Also called: PLATELET DISORDER, ASPIRIN-LIKE; Familial Platelet Disorder with Propensity to Acute Myelogenous Leukemia; Familial thrombocytopenia with propensity to acute myelogenous leukemia; RUNX1 Familial Platelet Disorder with Associated Myeloid Malignancies. Identifiers: Orphanet 71290, MedGen C1832388, MeSH C563324, MONDO:0100083, OMIM 601399.

Allele frequency attached by ClinVar (database versions not stated): gnomAD exomes 0.00001; TOPMed 0.00001.
gnomAD v4.1: 19 of 1,599,188 alleles (0.0012%); highest among the groups gnomAD compares: Non-Finnish European, 0.0014%; no homozygotes.

Submissions (3):

ClinGen Myeloid Malignancy Variant Curation Expert Panel
Classification: Uncertain significance for Hereditary thrombocytopenia and hematologic cancer predisposition syndrome. Last evaluated: 2024-08-16. Review status: reviewed by expert panel. Criteria: ClinGen MyeloMalig ACMG Specifications v2. Collection method: curation. Allele origin: germline. Inheritance: Autosomal dominant inheritance.
Comment: NM_001754.5(RUNX1):c.127C>T (p.Pro43Ser) is a missense variant which does not meet any ACMG/AMP criteria. In summary, the clinical significance of this variant is uncertain. ACMG/AMP criteria applied, as specified by the Myeloid Malignancy Variant Curation Expert Panel for RUNX1: None.

Ambry Genetics
Classification: Uncertain significance for Inborn genetic diseases. Last evaluated: 2025-02-04. Review status: criteria provided, single submitter. Criteria: Ambry Variant Classification Scheme 2023. Collection method: clinical testing. Allele origin: germline. Not counted in ClinVar's aggregate classification.
Comment: The p.P43S variant (also known as c.127C>T), located in coding exon 3 of the RUNX1 gene, results from a C to T substitution at nucleotide position 127. The proline at codon 43 is replaced by serine, an amino acid with similar properties. This amino acid position is highly conserved in available vertebrate species. In addition, this alteration is predicted to be deleterious by in silico analysis. Based on the available evidence, the clinical significance of this variant remains unclear.

Labcorp Genetics (formerly Invitae), Labcorp
Classification: Uncertain significance for Hereditary thrombocytopenia and hematological cancer predisposition syndrome associated with RUNX1. Last evaluated: 2023-06-23. Review status: criteria provided, single submitter. Criteria: Invitae Variant Classification Sherloc (09022015). Collection method: clinical testing. Allele origin: germline. Not counted in ClinVar's aggregate classification.
Comment: This sequence change replaces proline, which is neutral and non-polar, with serine, which is neutral and polar, at codon 43 of the RUNX1 protein (p.Pro43Ser). This variant is not present in population databases (gnomAD no frequency). This missense change has been observed in individual(s) with acute myeloid leukemia (PMID: 31245275). ClinVar contains an entry for this variant (Variation ID: 463980). Advanced modeling of protein sequence and biophysical properties (such as structural, functional, and spatial information, amino acid conservation, physicochemical variation, residue mobility, and thermodynamic stability) has been performed at Invitae for this missense variant, however the output from this modeling did not meet the statistical confidence thresholds required to predict the impact of this variant on RUNX1 protein function. In summary, the available evidence is currently insufficient to determine the role of this variant in disease. Therefore, it has been classified as a Variant of Uncertain Significance.

Literature cited by the submitters: PubMed 31245275 (cited by Labcorp Genetics (formerly Invitae), Labcorp).

NM_001754.5(RUNX1):c.127C>T (p.Pro43Ser)

Gene: RUNX1 (RUNX family transcription factor 1; minus strand). Cytogenetic location: 21q22.12.
Variant type: single nucleotide variant.
Coding change: c.127C>T on transcript NM_001754.5 (MANE Select); coding-DNA position 127, C replaced by T.
Protein change: p.Pro43Ser; replaces proline 43 with serine.
Molecular consequence: missense variant.
Genome position (GRCh38, 1-based): chr21:34,887,067, G>A on the plus strand (C>T on the coding strand, the complement: RUNX1 is on the minus strand). VCF-style: chr21-34887067-G-A. GRCh37 (hg19) VCF-style: chr21-36259364-G-A.
Other names: NM_001754.5(RUNX1):c.127C>T; p.Pro43Ser; c.46C>T, p.Pro16Ser (NM_001001890.3, NM_001122607.2); short protein forms P43S, P16S.
Identifiers: ClinVar variation 463980 (VCV000463980.9), dbSNP rs1555899881, ClinGen allele CA410204228.
Genomic context (GRCh38, chr21:34,887,067, plus strand): 5'-CGTCCGGGGCGCCCAGCGGCAACGCCTCGCTCATCTTGCCTGGGCTCAGCGCGGTGGAAG[G>A]CGGCGTGAAGCGGCGGCTCGTGCTGGCATCTACGGGGATACGCATCACAACAAGCCGATT-3'
Protein context (NP_001745.2, residues 33-53): DASTSRRFTP[Pro43Ser]STALSPGKMS